The following is an entry in ClinVar:

ClinVar aggregate classification (germline): Pathogenic. Review status: criteria provided, multiple submitters, no conflicts (2 of 4 stars). 4 submissions from 4 submitters: Pathogenic (4). Last evaluated 2025-11-06.

Conditions:
Distal myopathy with posterior leg and anterior hand involvement. Also called: WILLIAMS DISTAL MYOPATHY. Identifiers: Orphanet 63273, MedGen C3279722, MONDO:0013550, OMIM 614065.
Hypertrophic cardiomyopathy 26. Also called: Cardiomyopathy, familial hypertrophic, 26. Identifiers: Orphanet 75249, MedGen C4310749, MONDO:0014883, OMIM 617047.
Myofibrillar myopathy 5. Also called: Filaminopathy (type); FILAMINOPATHY, AUTOSOMAL DOMINANT. Identifiers: Orphanet 171445, MedGen C1836050, MONDO:0012289, OMIM 609524.
FLNC-related disorder. Also called: FLNC-related disorders; FLNC-related condition.

Allele frequency attached by ClinVar (database versions not stated): gnomAD exomes below 0.00001.
gnomAD v4.1: 5 of 1,613,178 alleles (0.00031%); highest among the groups gnomAD compares: Non-Finnish European, 0.00042%; no homozygotes.

Submissions (4):

Institute of Immunology and Genetics Kaiserslautern
Classification: Pathogenic for Hypertrophic cardiomyopathy 26. Last evaluated: 2025-11-06. Review status: criteria provided, single submitter. Criteria: ACMG Guidelines, 2015. Collection method: clinical testing. Allele origin: germline. Affected: yes.
Comment: ACMG Criteria: PVS1, PM2, PP1, PP5 ; Variant was found in heterozygous state.

Molecular Genetics Laboratory, Motol Hospital
Classification: Pathogenic for Hypertrophic cardiomyopathy 26. Last evaluated: 2025-01-08. Review status: criteria provided, single submitter. Criteria: ACMG Guidelines, 2015. Collection method: clinical testing. Allele origin: germline. Affected: yes. Observed: 1 variant allele.
Comment: truncating (nonsense) variant in a gene where loss of function is a common mechanism of a disease (PVS1), extremely rare variant in gnomAD population, < 0.0005% (gnomAD v4.1.0) (PM2) and reported in ClinVar in affected case SCV002117502 with clinical features of FLNC-related conditions (PS4), reputable source reports this variant as pathogenic without laboratory evidence (PP5); ACMG PVS1, PM2, PS4, PP5

Labcorp Genetics (formerly Invitae), Labcorp
Classification: Pathogenic for Distal myopathy with posterior leg and anterior hand involvement; Myofibrillar myopathy 5; Hypertrophic cardiomyopathy 26. Last evaluated: 2022-10-26. Review status: criteria provided, single submitter. Criteria: Invitae Variant Classification Sherloc (09022015). Collection method: clinical testing. Allele origin: germline.
Comment: This sequence change creates a premature translational stop signal (p.Trp34*) in the FLNC gene. It is expected to result in an absent or disrupted protein product. Loss-of-function variants in FLNC are known to be pathogenic (PMID: 27908349). This variant is not present in population databases (gnomAD no frequency). This premature translational stop signal has been observed in individual(s) with clinical features of FLNC-related conditions (PMID: 30935706). ClinVar contains an entry for this variant (Variation ID: 1361957). For these reasons, this variant has been classified as Pathogenic.

Blueprint Genetics
Classification: Pathogenic for FLNC-related disorders. Last evaluated: 2021-09-04. Review status: criteria provided, single submitter. Criteria: ACMG Guidelines, 2015. Collection method: clinical testing. Allele origin: germline. Affected: yes. Observed: 4 variant alleles.

Literature cited by the submitters: PubMed 30935706 (cited by Molecular Genetics Laboratory, Motol Hospital and Labcorp Genetics (formerly Invitae), Labcorp); PubMed 27908349 (cited by Labcorp Genetics (formerly Invitae), Labcorp).

NM_001458.5(FLNC):c.102G>A (p.Trp34Ter)

Gene: FLNC (filamin C; plus strand). Cytogenetic location: 7q32.1.
Variant type: single nucleotide variant.
Coding change: c.102G>A on transcript NM_001458.5 (MANE Select); coding-DNA position 102, G replaced by A.
Protein change: p.Trp34Ter; replaces tryptophan 34 with a stop codon.
Molecular consequence: nonsense.
Genome position (GRCh38, 1-based): chr7:128,830,739, G>A. VCF-style: chr7-128830739-G-A. GRCh37 (hg19) VCF-style: chr7-128470793-G-A.
Other names: c.102G>A, p.Trp34Ter (NM_001127487.2); short protein forms W34*.
Identifiers: ClinVar variation 1361957 (VCV001361957.10), dbSNP rs2128932126, ClinGen allele CA369215734.